The following is an entry in ClinVar:

NC_000001.11:g.(?_193122191)_(193152454_?)del

Gene: CDC73 (cell division cycle 73; plus strand). Cytogenetic location: 1q31.2.
Variant type: Deletion.
Identifiers: ClinVar variation 832317 (VCV000832317.1).

ClinVar aggregate classification (germline): Pathogenic (1 of 4 stars; one submission).

Conditions:
Parathyroid carcinoma (PRTC). Also called: Parathyroid gland carcinoma; CDC73-Related Parathyroid Carcinoma. Identifiers: Orphanet 143, MedGen C0687150, MONDO:0012004, OMIM 608266, HP:0006780.

Submission:

Labcorp Genetics (formerly Invitae), Labcorp
Classification: Pathogenic for Parathyroid carcinoma. Last evaluated: 2019-04-04. Review status: criteria provided, single submitter. Criteria: Invitae Variant Classification Sherloc (09022015). Collection method: clinical testing. Allele origin: germline.
Comment: This variant is a gross deletion of the genomic region encompassing exons 1-10 of the CDC73 gene, which includes the initiator codon. The 5' end of this event is unknown as it extends beyond the assayed region for this gene and therefore may encompass additional genes. The 3' boundary is likely confined to intron 10 of the CDC73 gene. This is expected to result in an absent or disrupted protein product. This variant has been observed to segregate with CDC73-related conditions in several families (PMID: 24823466, 29755684). Loss-of-function variants in CDC73 are known to be pathogenic (PMID: 12434154). For these reasons, this variant has been classified as Pathogenic.

Literature cited by the submitters: PubMed 24823466; PubMed 29755684.